The following is an entry in ClinVar:

NM_002900.3(RBP3):c.2353A>G (p.Asn785Asp)

Gene: RBP3 (retinol binding protein 3; plus strand). Cytogenetic location: 10q11.22.
Variant type: single nucleotide variant.
Coding change: c.2353A>G on transcript NM_002900.3 (MANE Select); coding-DNA position 2353, A replaced by G.
Protein change: p.Asn785Asp; replaces asparagine 785 with aspartic acid.
Molecular consequence: missense variant.
Genome position (GRCh38, 1-based): chr10:47,350,837, A>G. VCF-style: chr10-47350837-A-G. GRCh37 (hg19) VCF-style: chr10-48388525-T-C.
Other names: c.2353A>G (NM_002900.2); short protein forms N785D.
Identifiers: ClinVar variation 1903989 (VCV001903989.4), dbSNP rs1054318097, ClinGen allele CA206464736.

ClinVar aggregate classification (germline): Uncertain significance. Review status: criteria provided, multiple submitters, no conflicts (2 of 4 stars). 2 submissions from 2 submitters: Uncertain significance (2). Last evaluated 2023-05-10.

Conditions:
Inborn genetic diseases. Identifiers: MedGen C0950123, MeSH D030342.

Allele frequency attached by ClinVar (database versions not stated): gnomAD exomes below 0.00001; TOPMed below 0.00001.

Submissions (2):

Ambry Genetics
Classification: Uncertain significance for Inborn genetic diseases. Last evaluated: 2023-05-10. Review status: criteria provided, single submitter. Criteria: Ambry Variant Classification Scheme 2023. Collection method: clinical testing. Allele origin: germline.

Labcorp Genetics (formerly Invitae), Labcorp
Classification: Uncertain significance. Last evaluated: 2022-07-30. Review status: criteria provided, single submitter. Criteria: Invitae Variant Classification Sherloc (09022015). Collection method: clinical testing. Allele origin: germline.
Comment: This sequence change replaces asparagine, which is neutral and polar, with aspartic acid, which is acidic and polar, at codon 785 of the RBP3 protein (p.Asn785Asp). This variant is not present in population databases (gnomAD no frequency). This variant has not been reported in the literature in individuals affected with RBP3-related conditions. Algorithms developed to predict the effect of missense changes on protein structure and function are either unavailable or do not agree on the potential impact of this missense change (SIFT: "Deleterious"; PolyPhen-2: "Possibly Damaging"; Align-GVGD: "Class C0"). In summary, the available evidence is currently insufficient to determine the role of this variant in disease. Therefore, it has been classified as a Variant of Uncertain Significance.